The following is an entry in ClinVar:

NM_006939.4(SOS2):c.3939G>C (p.Glu1313Asp)

Gene: SOS2 (SOS Ras/Rho guanine nucleotide exchange factor 2; minus strand). Cytogenetic location: 14q21.3.
Variant type: single nucleotide variant.
Coding change: c.3939G>C on transcript NM_006939.4 (MANE Select); coding-DNA position 3939, G replaced by C.
Protein change: p.Glu1313Asp; replaces glutamic acid 1313 with aspartic acid.
Molecular consequence: missense variant.
Genome position (GRCh38, 1-based): chr14:50,118,404, C>G on the plus strand (G>C on the coding strand, the complement: SOS2 is on the minus strand). VCF-style: chr14-50118404-C-G. GRCh37 (hg19) VCF-style: chr14-50585122-C-G.
Other names: c.3840G>C, p.Glu1280Asp (NM_001411020.1); short protein forms E1280D, E1313D.
Identifiers: ClinVar variation 1736310 (VCV001736310.4), dbSNP rs746317294, ClinGen allele CA7176687.

ClinVar aggregate classification (germline): Conflicting classifications of pathogenicity. Review status: criteria provided, conflicting classifications (1 of 4 stars). 3 submissions from 3 submitters: Uncertain significance (1); Likely benign (2). Last evaluated 2025-03-27.

Conditions:
Noonan syndrome 9 (NS9). Identifiers: Orphanet 648, MedGen C4225282, MONDO:0014691, OMIM 616559.
Cardiovascular phenotype. Identifiers: MedGen CN230736.

Allele frequency attached by ClinVar (database versions not stated): gnomAD exomes 0.00001; TOPMed 0.00001; ExAC 0.00002; gnomAD 0.00003.
gnomAD v4.1: 16 of 1,614,036 alleles (0.00099%); highest among the groups gnomAD compares: Non-Finnish European, 0.0012%; no homozygotes.

Submissions (3):

Labcorp Genetics (formerly Invitae), Labcorp
Classification: Likely benign for Noonan syndrome 9. Last evaluated: 2025-03-27. Review status: criteria provided, single submitter. Criteria: Invitae Variant Classification Sherloc (09022015). Collection method: clinical testing. Allele origin: germline.

Laboratory of Genetics, Children's Clinical University Hospital Latvia
Classification: Likely benign. Last evaluated: 2025-02-16. Review status: criteria provided, single submitter. Criteria: ACMG Guidelines, 2015. Collection method: clinical testing. Allele origin: germline. Affected: yes.

Ambry Genetics
Classification: Uncertain significance for Cardiovascular phenotype. Last evaluated: 2022-10-23. Review status: criteria provided, single submitter. Criteria: Ambry Variant Classification Scheme 2023. Collection method: clinical testing. Allele origin: germline.
Comment: The p.E1313D variant (also known as c.3939G>C), located in coding exon 23 of the SOS2 gene, results from a G to C substitution at nucleotide position 3939. The glutamic acid at codon 1313 is replaced by aspartic acid, an amino acid with highly similar properties. This amino acid position is conserved. In addition, this alteration is predicted to be tolerated by in silico analysis. Since supporting evidence is limited at this time, the clinical significance of this alteration remains unclear.